The following is an entry in ClinVar:

ClinVar aggregate classification (germline): Uncertain significance (1 of 4 stars; one submission).

Conditions:
Inborn genetic diseases. Identifiers: MedGen C0950123, MeSH D030342.

Allele frequency attached by ClinVar (database versions not stated): gnomAD exomes below 0.00001.
gnomAD v4.1: 4 of 1,605,664 alleles (0.00025%); highest among the groups gnomAD compares: Non-Finnish European, 0.00034%; no homozygotes.

Submission:

Ambry Genetics
Classification: Uncertain significance for Inborn genetic diseases. Last evaluated: 2023-04-09. Review status: criteria provided, single submitter. Criteria: Ambry Variant Classification Scheme 2023. Collection method: clinical testing. Allele origin: germline.
Comment: The p.P465A variant (also known as c.1393C>G), located in coding exon 10 of the EPAS1 gene, results from a C to G substitution at nucleotide position 1393. The proline at codon 465 is replaced by alanine, an amino acid with highly similar properties. This amino acid position is conserved. In addition, this alteration is predicted to be tolerated by in silico analysis. Since supporting evidence is limited at this time, the clinical significance of this alteration remains unclear.

NM_001430.5(EPAS1):c.1393C>G (p.Pro465Ala)

Gene: EPAS1 (endothelial PAS domain protein 1; plus strand). Cytogenetic location: 2p21.
Variant type: single nucleotide variant.
Coding change: c.1393C>G on transcript NM_001430.5 (MANE Select); coding-DNA position 1393, C replaced by G.
Protein change: p.Pro465Ala; replaces proline 465 with alanine.
Molecular consequence: missense variant.
Genome position (GRCh38, 1-based): chr2:46,378,037, C>G. VCF-style: chr2-46378037-C-G. GRCh37 (hg19) VCF-style: chr2-46605176-C-G.
Other names: short protein forms P465A.
Identifiers: ClinVar variation 2565057 (VCV002565057.2), dbSNP rs2546473666, ClinGen allele CA346703988.